The following is an entry in ClinVar:

NM_002485.5(NBN):c.490G>T (p.Ala164Ser)

Gene: NBN (nibrin; minus strand). Cytogenetic location: 8q21.3.
Variant type: single nucleotide variant.
Coding change: c.490G>T on transcript NM_002485.5 (MANE Select); coding-DNA position 490, G replaced by T.
Protein change: p.Ala164Ser; replaces alanine 164 with serine.
Molecular consequence: missense variant.
Genome position (GRCh38, 1-based): chr8:89,978,314, C>A on the plus strand (G>T on the coding strand, the complement: NBN is on the minus strand). VCF-style: chr8-89978314-C-A. GRCh37 (hg19) VCF-style: chr8-90990542-C-A.
Other names: c.244G>T, p.Ala82Ser (NM_001024688.3); short protein forms A164S, A82S.
Identifiers: ClinVar variation 184055 (VCV000184055.20), dbSNP rs786201252, ClinGen allele CA187645.

ClinVar aggregate classification (germline): Uncertain significance. Review status: criteria provided, multiple submitters, no conflicts (2 of 4 stars). 5 submissions from 5 submitters: Uncertain significance (5). Last evaluated 2024-08-20.

Conditions:
Hereditary cancer-predisposing syndrome. Also called: Tumor predisposition; Hereditary Cancer Syndrome; Hereditary neoplastic syndrome; Neoplastic Syndromes, Hereditary. Identifiers: Orphanet 140162, MedGen C0027672, MeSH D009386, MONDO:0015356.
Aplastic anemia. Identifiers: Orphanet 182040, Orphanet 88, MedGen C0002874, MONDO:0015909, OMIM 609135, HP:0001915.
Microcephaly, normal intelligence and immunodeficiency (NBS). Also called: IMMUNODEFICIENCY, MICROCEPHALY, AND CHROMOSOMAL INSTABILITY; SEEMANOVA SYNDROME II; Nijmegen breakage syndrome; Microcephaly with normal intelligence immunodeficiency and lymphoreticular malignancies; Nonsyndromal microcephaly autosomal recessive with normal intelligence; Seemanova syndrome 2. Identifiers: Orphanet 647, MedGen C0398791, MONDO:0009623, OMIM 251260.

Allele frequency attached by ClinVar (database versions not stated): gnomAD 0.00001; TOPMed 0.00002.
gnomAD v4.1: 1 of 1,584,938 alleles (0.000063%); highest among the groups gnomAD compares: African/African-American, 0.0013%; no homozygotes.

Submissions (5):

Labcorp Genetics (formerly Invitae), Labcorp
Classification: Uncertain significance for Microcephaly, normal intelligence and immunodeficiency. Last evaluated: 2024-08-20. Review status: criteria provided, single submitter. Criteria: Invitae Variant Classification Sherloc (09022015). Collection method: clinical testing. Allele origin: germline.
Comment: This sequence change replaces alanine, which is neutral and non-polar, with serine, which is neutral and polar, at codon 164 of the NBN protein (p.Ala164Ser). This variant is not present in population databases (gnomAD no frequency). This variant has not been reported in the literature in individuals affected with NBN-related conditions. ClinVar contains an entry for this variant (Variation ID: 184055). An algorithm developed to predict the effect of missense changes on protein structure and function (PolyPhen-2) suggests that this variant is likely to be disruptive. In summary, the available evidence is currently insufficient to determine the role of this variant in disease. Therefore, it has been classified as a Variant of Uncertain Significance.

Ambry Genetics
Classification: Uncertain significance for Hereditary cancer-predisposing syndrome. Last evaluated: 2024-01-11. Review status: criteria provided, single submitter. Criteria: Ambry Variant Classification Scheme 2023. Collection method: clinical testing. Allele origin: germline.
Comment: The p.A164S variant (also known as c.490G>T), located in coding exon 5 of the NBN gene, results from a G to T substitution at nucleotide position 490. The alanine at codon 164 is replaced by serine, an amino acid with similar properties. This amino acid position is highly conserved in available vertebrate species. In addition, this alteration is predicted to be deleterious by in silico analysis. Since supporting evidence is limited at this time, the clinical significance of this alteration remains unclear.

Quest Diagnostics Nichols Institute San Juan Capistrano
Classification: Uncertain significance. Last evaluated: 2024-01-11. Review status: criteria provided, single submitter. Criteria: Quest Diagnostics criteria. Collection method: clinical testing. Allele origin: unknown.
Comment: The NBN c.490G>T (p.Ala164Ser) variant has not been reported in individuals with NBN-related conditions in the published literature. The frequency of this variant in the general population, 0.0000066 (1/152122 chromosomes (Genome Aggregation Database)), is uninformative in the assessment of its pathogenicity. Analysis of this variant using bioinformatics tools for the prediction of the effect of amino acid changes on protein structure and function yielded conflicting predictions that this variant is benign or damaging. Based on the available information, we are unable to determine the clinical significance of this variant.

Baylor Genetics
Classification: Uncertain significance for Aplastic anemia. Last evaluated: 2023-05-04. Review status: criteria provided, single submitter. Criteria: ACMG Guidelines, 2015. Collection method: clinical testing. Allele origin: unknown.

Genome-Nilou Lab
Classification: Uncertain significance for Microcephaly, normal intelligence and immunodeficiency. Last evaluated: 2021-11-07. Review status: criteria provided, single submitter. Criteria: ACMG Guidelines, 2015. Collection method: clinical testing. Allele origin: germline. Affected: no.